The following is an entry in ClinVar:

ClinVar aggregate classification (germline): Uncertain significance. Review status: criteria provided, multiple submitters, no conflicts (2 of 4 stars). 3 submissions from 3 submitters: Uncertain significance (3). Last evaluated 2024-06-06.

Conditions:
Cholestanol storage disease (CTX). Also called: CTX: Cerebrotendinous xanthomatosis; CEREBRAL CHOLESTERINOSIS; Cerebrotendinous Xanthomatosis. Identifiers: Orphanet 909, MedGen C0238052, MONDO:0008948, OMIM 213700.
Cardiovascular phenotype. Identifiers: MedGen CN230736.

Allele frequency attached by ClinVar (database versions not stated): gnomAD exomes below 0.00001; TOPMed 0.00001.
gnomAD v4.1: 6 of 1,613,926 alleles (0.00037%); highest among the groups gnomAD compares: Admixed American, 0.0033%; no homozygotes.

Submissions (3):

Ambry Genetics
Classification: Uncertain significance for Cardiovascular phenotype. Last evaluated: 2024-06-06. Review status: criteria provided, single submitter. Criteria: Ambry Variant Classification Scheme 2023. Collection method: clinical testing. Allele origin: germline.
Comment: The p.I217L variant (also known as c.649A>C), located in coding exon 4 of the CYP27A1 gene, results from an A to C substitution at nucleotide position 649. The isoleucine at codon 217 is replaced by leucine, an amino acid with highly similar properties. This amino acid position is conserved. In addition, the in silico prediction for this alteration is inconclusive. Based on the available evidence, the clinical significance of this variant remains unclear.

Labcorp Genetics (formerly Invitae), Labcorp
Classification: Uncertain significance for Cholestanol storage disease. Last evaluated: 2021-08-24. Review status: criteria provided, single submitter. Criteria: Invitae Variant Classification Sherloc (09022015). Collection method: clinical testing. Allele origin: germline.
Comment: This sequence change replaces isoleucine with leucine at codon 217 of the CYP27A1 protein (p.Ile217Leu). The isoleucine residue is highly conserved and there is a small physicochemical difference between isoleucine and leucine. This variant is not present in population databases (ExAC no frequency). This variant has not been reported in the literature in individuals affected with CYP27A1-related conditions. ClinVar contains an entry for this variant (Variation ID: 281894). Algorithms developed to predict the effect of missense changes on protein structure and function are either unavailable or do not agree on the potential impact of this missense change (SIFT: "Deleterious"; PolyPhen-2: "Possibly Damaging"; Align-GVGD: "Class C0"). In summary, the available evidence is currently insufficient to determine the role of this variant in disease. Therefore, it has been classified as a Variant of Uncertain Significance.

Eurofins Ntd Llc (ga)
Classification: Uncertain significance. Last evaluated: 2015-07-13. Review status: criteria provided, single submitter. Criteria: EGL Classification Definitions 2015. Collection method: clinical testing. Allele origin: germline. Observed: 1 variant allele, 1 heterozygote.

NM_000784.4(CYP27A1):c.649A>C (p.Ile217Leu)

Gene: CYP27A1 (cytochrome P450 family 27 subfamily A member 1; plus strand). Cytogenetic location: 2q35.
Variant type: single nucleotide variant.
Coding change: c.649A>C on transcript NM_000784.4 (MANE Select); coding-DNA position 649, A replaced by C.
Protein change: p.Ile217Leu; replaces isoleucine 217 with leucine.
Molecular consequence: missense variant.
Genome position (GRCh38, 1-based): chr2:218,812,554, A>C. VCF-style: chr2-218812554-A-C. GRCh37 (hg19) VCF-style: chr2-219677277-A-C.
Other names: c.649A>C (NM_000784.3); short protein forms I217L.
Identifiers: ClinVar variation 281894 (VCV000281894.10), dbSNP rs886042256, ClinGen allele CA10603994.